The following is an entry in ClinVar:

NM_001267550.2(TTN):c.9448C>T (p.Arg3150Ter)

Gene: TTN (titin; minus strand). Cytogenetic location: 2q31.2.
Variant type: single nucleotide variant.
Coding change: c.9448C>T on transcript NM_001267550.2 (MANE Select); coding-DNA position 9448, C replaced by T.
Protein change: p.Arg3150Ter; replaces arginine 3150 with a stop codon.
Molecular consequence: nonsense.
Genome position (GRCh38, 1-based): chr2:178,767,782, G>A on the plus strand (C>T on the coding strand, the complement: TTN is on the minus strand). VCF-style: chr2-178767782-G-A. GRCh37 (hg19) VCF-style: chr2-179632509-G-A.
Other names: c.9448C>T, p.Arg3150Ter (NM_001256850.1, NM_133378.4, NM_133379.5); c.9310C>T, p.Arg3104Ter (NM_003319.4, NM_133432.3, NM_133437.4); c.9448C>T (NM_001267550.1); short protein forms R3150*, R3104*.
Identifiers: ClinVar variation 282852 (VCV000282852.28), dbSNP rs146572907, ClinGen allele CA2004336.
Genomic context (GRCh38, chr2:178,767,782, plus strand): 5'-TGATGATTTTTCAAAACATTTAGTATGTAGACAATACCTGAACCTCCTTTTTAATACTTC[G>A]GATGCGAACATCTCTGCCTTCTACAAAGAGTTTTGCAGTTGACACGTTGCCTCCTGCCAC-3'

ClinVar aggregate classification (germline): Conflicting classifications of pathogenicity. Review status: criteria provided, conflicting classifications (1 of 4 stars). 11 submissions from 11 submitters: Pathogenic (2); Likely pathogenic (3); Uncertain significance (3). 3 of the submissions do not count toward it. Last evaluated 2025-08-24.

Conditions:
TTN-related disorder. Also called: TTN-related condition; TTN-related disease; TTN-related disorders.
Cardiovascular phenotype. Identifiers: MedGen CN230736.
Autosomal recessive limb-girdle muscular dystrophy type 2J (LGMDR10). Also called: Limb-girdle muscular dystrophy, type 2J; MUSCULAR DYSTROPHY, LIMB-GIRDLE, AUTOSOMAL RECESSIVE 10. Identifiers: Orphanet 140922, MedGen C1837342, MONDO:0012127, OMIM 608807.
Early-onset myopathy with fatal cardiomyopathy (CMYO5). Also called: CONGENITAL MYOPATHY 5 WITH CARDIOMYOPATHY; Salih Myopathy. Identifiers: Orphanet 289377, MedGen C2673677, MONDO:0012714, OMIM 611705. Disease mechanism: loss of function.
Dilated cardiomyopathy 1G (CMD1G). Identifiers: Orphanet 154, MedGen C1858763, MONDO:0011400, OMIM 604145.
Primary dilated cardiomyopathy (DCM). Also called: Dilated Cardiomyopathy. Identifiers: Orphanet 217604, MedGen C0007193, MeSH D002311, MONDO:0005021, HP:0001644. Inheritance: Various modes of inheritance.

Allele frequency attached by ClinVar (database versions not stated): gnomAD 0.00001; ExAC 0.00002; ESP Exome Variant Server 0.00008; 1000 Genomes Project 30x 0.00031.
gnomAD v4.1: 16 of 1,613,974 alleles (0.00099%); highest among the groups gnomAD compares: Non-Finnish European, 0.0012%; no homozygotes.

Submissions (11):

Labcorp Genetics (formerly Invitae), Labcorp
Classification: Pathogenic for Dilated cardiomyopathy 1G; Autosomal recessive limb-girdle muscular dystrophy type 2J. Last evaluated: 2025-08-24. Review status: criteria provided, single submitter. Criteria: Invitae Variant Classification Sherloc (09022015). Collection method: clinical testing. Allele origin: germline.
Comment: This sequence change creates a premature translational stop signal (p.Arg3150*) in the TTN gene. While this is not anticipated to result in nonsense mediated decay, it is expected to create a truncated TTN protein. This variant is present in population databases (rs146572907, gnomAD 0.003%). This premature translational stop signal has been observed in individuals with dilated cardiomyopathy (PMID: 32998006; internal data). ClinVar contains an entry for this variant (Variation ID: 282852). This variant is located in the I band of TTN (PMID: 25589632). Truncating variants in this region have been reported in individuals affected with autosomal recessive centronuclear myopathy (PMID: 23975875, internal data). Truncating variants in this region have also been identified in individuals affected with autosomal dominant dilated cardiomyopathy and/or cardio-related conditions (PMID: 27869827, 32964742, internal data). For these reasons, this variant has been classified as Pathogenic.

Ambry Genetics
Classification: Likely pathogenic for Cardiovascular phenotype. Last evaluated: 2024-08-16. Review status: criteria provided, single submitter. Criteria: Ambry Variant Classification Scheme 2023. Collection method: clinical testing. Allele origin: germline.
Comment: The p.R3104* variant (also known as c.9310C>T), located in coding exon 38 of the TTN gene, results from a C to T substitution at nucleotide position 9310. This changes the amino acid from an arginine to a stop codon within coding exon 38. This exon is located in the I-band region of the N2-B isoform of the titin protein and is constitutively expressed in TTN transcripts (percent spliced in or PSI 100%). This variant (also referred to as p.R3150*, c.9448C>T, and rs146572907) has been detected in dilated cardiomyopathy (DCM) cohorts and in individuals with features consistent with DCM (Anderson JL et al. Am J Cardiol, 2020 12;137:97-102; Corden B et al. JAMA Netw Open. 2019 Jun;2(6):e196520, Ambry internal data). This alteration is expected to result in loss of function by premature protein truncation or nonsense-mediated mRNA decay. While truncating variants in TTN are present in 1-3% of the general population, truncating variants in the A-band are the most common cause of DCM (Herman DS et al. N. Engl. J. Med., 2012 Feb;366:619-28; Roberts AM et al. Sci Transl Med, 2015 Jan;7:270ra6). TTN truncating variants encoded in constitutive exons (PSI >90%) have been found to be significantly associated with DCM regardless of their position in titin (Schafer S et al. Nat. Genet., 2017 01;49:46-53). Based on the majority of available evidence to date, this variant is likely to be pathogenic.

Blueprint Genetics
Classification: Likely pathogenic for TTN-related disorders. Last evaluated: 2022-09-13. Review status: criteria provided, single submitter. Criteria: ACMG Guidelines, 2015. Collection method: clinical testing. Allele origin: germline. Affected: yes. Observed: 5 variant alleles.

GeneDx
Classification: Likely pathogenic. Last evaluated: 2022-04-26. Review status: criteria provided, single submitter. Criteria: GeneDx Variant Classification Process June 2021. Collection method: clinical testing. Allele origin: germline. Affected: yes.
Comment: Identified in patients with DCM in the published literature (Corden et al., 2019; Anderson et al., 2020); Not observed at significant frequency in large population cohorts (gnomAD); This variant is associated with the following publications: (PMID: 32998006, 31251381)

Eurofins Ntd Llc (ga)
Classification: Uncertain significance. Last evaluated: 2015-08-20. Review status: criteria provided, single submitter. Criteria: EGL Classification Definitions 2015. Collection method: clinical testing. Allele origin: germline. Observed: 1 variant allele, 1 heterozygote.

Genetics and Genomics Program, Sidra Medicine
Classification: Uncertain significance for Primary dilated cardiomyopathy. Review status: criteria provided, single submitter. Criteria: ACMG Guidelines, 2015. Collection method: research. Allele origin: unknown. Affected: yes. Observed: 1 variant allele.

Juno Genomics, Hangzhou Juno Genomics, Inc
Classification: Pathogenic for Dilated cardiomyopathy 1G. Review status: criteria provided, single submitter. Criteria: ACMG Guidelines, 2015. Collection method: clinical testing. Allele origin: germline. Affected: yes.
Comment: Absent from controls (or at extremely low frequency if recessive) in Genome Aggregation Database, Exome Sequencing Project, 1000 Genomes Project, or Exome Aggregation Consortium.;Null variant in a gene where loss of function (LOF) is a known mechanism of disease.;The prevalence of the variant in affected individuals is significantly increased compared to the prevalence in controls.

Suma Genomics
Classification: Uncertain significance for Autosomal recessive limb-girdle muscular dystrophy type 2J; Early-onset myopathy with fatal cardiomyopathy. Review status: criteria provided, single submitter. Criteria: ACMG Guidelines, 2015. Collection method: clinical testing. Allele origin: inherited. Inheritance: Autosomal recessive inheritance. Affected: yes.

Clinical Genetics DNA and cytogenetics Diagnostics Lab, Erasmus MC, Erasmus Medical Center
Classification: Likely pathogenic. Review status: no assertion criteria provided. Collection method: clinical testing. Allele origin: germline. Affected: yes. Study: VKGL Data-share Consensus. Not counted in ClinVar's aggregate classification.

Diagnostic Laboratory, Department of Genetics, University Medical Center Groningen
Classification: Likely pathogenic. Review status: no assertion criteria provided. Collection method: clinical testing. Allele origin: germline. Affected: yes. Study: VKGL Data-share Consensus. Not counted in ClinVar's aggregate classification.

Genome Diagnostics Laboratory, University Medical Center Utrecht
Classification: Likely pathogenic. Review status: no assertion criteria provided. Collection method: clinical testing. Allele origin: germline. Affected: yes. Study: VKGL Data-share Consensus. Not counted in ClinVar's aggregate classification.

Literature cited by the submitters: PubMed 32998006 (cited by Labcorp Genetics (formerly Invitae), Labcorp and Ambry Genetics); PubMed 25589632 (cited by Labcorp Genetics (formerly Invitae), Labcorp); PubMed 23975875 (cited by Labcorp Genetics (formerly Invitae), Labcorp); PubMed 27869827 (cited by Labcorp Genetics (formerly Invitae), Labcorp); PubMed 32964742 (cited by Labcorp Genetics (formerly Invitae), Labcorp); PubMed 23675308 (cited by Ambry Genetics); PubMed 24503780 (cited by Ambry Genetics); PubMed 28851873 (cited by Ambry Genetics); PubMed 31251381 (cited by Ambry Genetics); PubMed 33432171 (cited by Ambry Genetics).